The following is an entry in ClinVar:

ClinVar aggregate classification (germline): Pathogenic (1 of 4 stars; one submission).

Conditions:
Hereditary cancer-predisposing syndrome. Also called: Neoplastic Syndromes, Hereditary; Tumor predisposition; Hereditary neoplastic syndrome; Hereditary Cancer Syndrome. Identifiers: Orphanet 140162, MedGen C0027672, MeSH D009386, MONDO:0015356.

Submission:

Ambry Genetics
Classification: Pathogenic for Hereditary cancer-predisposing syndrome. Last evaluated: 2024-03-28. Review status: criteria provided, single submitter. Criteria: Ambry Variant Classification Scheme 2023. Collection method: clinical testing. Allele origin: germline.
Comment: The c.2551dupC pathogenic mutation, located in coding exon 18 of the TSC1 gene, results from a duplication of C at nucleotide position 2551, causing a translational frameshift with a predicted alternate stop codon (p.Q851Pfs*53). This alteration is expected to result in loss of function by premature protein truncation or nonsense-mediated mRNA decay. This variant is considered to be rare based on population cohorts in the Genome Aggregation Database (gnomAD). As such, this alteration is interpreted as a disease-causing mutation.

NM_000368.5(TSC1):c.2551dup (p.Gln851fs)

Gene: TSC1 (TSC complex subunit 1; minus strand). Cytogenetic location: 9q34.13.
Variant type: Duplication.
Coding change: c.2551dup on transcript NM_000368.5 (MANE Select); coding-DNA position 2551, one base duplicated (C; older notation c.2551dupC).
Protein change: p.Gln851fs; shifts the reading frame from glutamine 851.
Molecular consequence: frameshift variant. On other transcripts: non-coding transcript variant (5).
Genome position (GRCh38, 1-based): chr9:132,900,789, G duplicated on the plus strand (C on the coding strand, the reverse complement: TSC1 is on the minus strand). VCF-style (leftmost placement, unchanged base first): chr9-132900788-T-TG. GRCh37 (hg19) VCF-style: chr9-135776175-T-TG.
Other names: c.2551dupC (NM_000368.4); c.2188dup, p.Gln730fs (NM_001362177.2, NM_001406614.1, NM_001406615.1 and 4 more transcripts); c.2551dup, p.Gln851fs (NM_001406592.1, NM_001406593.1, NM_001406594.1 and 2 more transcripts); c.2548dup, p.Gln850fs (NM_001406597.1, NM_001406598.1, NM_001406599.1 and 2 more transcripts); c.2398dup, p.Gln800fs (NM_001162427.2, NM_001406610.1); c.1597dup, p.Gln533fs (NM_001406628.1, NM_001406627.1); c.1498dup, p.Gln500fs (NM_001406629.1, NM_001406630.1); c.2536dup, p.Gln846fs (NM_001406601.1, NM_001406602.1); and 9 more; short protein forms Q533fs, Q534fs, Q730fs, Q836fs, Q716fs, Q846fs, Q850fs, Q851fs.
Identifiers: ClinVar variation 3329397 (VCV003329397.1).